The following is an entry in ClinVar:

ClinVar aggregate classification (germline): Likely benign (1 of 4 stars; one submission).

Conditions:
Megalencephalic leukoencephalopathy with subcortical cysts. Also called: VAN DER KNAAP DISEASE. Identifiers: Orphanet 2478, MedGen C1858854, MONDO:0011391.

Allele frequency attached by ClinVar (database versions not stated): gnomAD below 0.00001 and 0.00021; TOPMed 0.00003; gnomAD exomes 0.00036; 1000 Genomes Project 30x 0.00203; 1000 Genomes Project 0.00260.
gnomAD v4.1: 491 of 1,424,438 alleles (0.034%); highest among the groups gnomAD compares: South Asian, 0.61%; 6 homozygotes.

Submission:

Illumina Laboratory Services, Illumina
Classification: Likely benign for Megalencephalic leukoencephalopathy with subcortical cysts. Last evaluated: 2018-01-13. Review status: criteria provided, single submitter. Criteria: ICSL Variant Classification Criteria 13 December 2019. Collection method: clinical testing. Allele origin: germline.
Comment: This variant was observed in the ICSL laboratory as part of a predisposition screen in an ostensibly healthy population. It had not been previously curated by ICSL or reported in the Human Gene Mutation Database (HGMD: prior to June 1st, 2018), and was therefore a candidate for classification through an automated scoring system. Utilizing variant allele frequency, disease prevalence and penetrance estimates, and inheritance mode, an automated score was calculated to assess if this variant is too frequent to cause the disease. Based on the score and internal cut-off values, a variant classified as likely benign is not then subjected to further curation. The score for this variant resulted in a classification of likely benign for this disease.

NM_152722.5(HEPACAM):c.*1479T>C

Genes: HEPACAM (hepatic and glial cell adhesion molecule; minus strand), HEPN1 (hepatocellular carcinoma, down-regulated 1; plus strand). Cytogenetic location: 11q24.2.
Variant type: single nucleotide variant.
Coding change: c.*1479T>C on transcript NM_152722.5 (MANE Select); 1479 bases downstream of the stop codon, T replaced by C.
Molecular consequence: 3 prime UTR variant.
Genome position (GRCh38, 1-based): chr11:124,919,659, A>G on the plus strand (T>C on the coding strand, the complement: HEPACAM is on the minus strand). VCF-style: chr11-124919659-A-G. GRCh37 (hg19) VCF-style: chr11-124789555-A-G.
Identifiers: ClinVar variation 880244 (VCV000880244.4), dbSNP rs566864287, ClinGen allele CA230382804.